The following is an entry in ClinVar:

NM_001127671.2(LIFR):c.1865C>T (p.Ala622Val)

Gene: LIFR (LIF receptor subunit alpha; minus strand). Cytogenetic location: 5p13.1.
Variant type: single nucleotide variant.
Coding change: c.1865C>T on transcript NM_001127671.2 (MANE Select); coding-DNA position 1865, C replaced by T.
Protein change: p.Ala622Val; replaces alanine 622 with valine.
Molecular consequence: missense variant.
Genome position (GRCh38, 1-based): chr5:38,496,402, G>A on the plus strand (C>T on the coding strand, the complement: LIFR is on the minus strand). VCF-style: chr5-38496402-G-A. GRCh37 (hg19) VCF-style: chr5-38496504-G-A.
Other names: c.1865C>T, p.Ala622Val (NM_001364297.2, NM_001364298.2, NM_002310.6); short protein forms A622V.
Identifiers: ClinVar variation 2203641 (VCV002203641.5), dbSNP rs747837301, ClinGen allele CA359539597.

ClinVar aggregate classification (germline): Likely pathogenic. Review status: criteria provided, multiple submitters, no conflicts (2 of 4 stars). 2 submissions from 2 submitters: Likely pathogenic (2). Last evaluated 2024-03-08.

Conditions:
Stüve-Wiedemann syndrome 1. Also called: STUVE-WIEDEMANN/SCHWARTZ-JAMPEL TYPE 2 SYNDROME. Identifiers: Orphanet 3206, MedGen C5676888, MONDO:0800043, OMIM 601559.

gnomAD v4.1: 15 of 1,613,068 alleles (0.00093%); highest among the groups gnomAD compares: South Asian, 0.0044%; no homozygotes.

Submissions (2):

Fulgent Genetics
Classification: Likely pathogenic for Stüve-Wiedemann syndrome 1. Last evaluated: 2024-03-08. Review status: criteria provided, single submitter. Criteria: ACMG Guidelines, 2015. Collection method: clinical testing. Allele origin: germline.

Labcorp Genetics (formerly Invitae), Labcorp
Classification: Likely pathogenic. Last evaluated: 2023-06-24. Review status: criteria provided, single submitter. Criteria: Invitae Variant Classification Sherloc (09022015). Collection method: clinical testing. Allele origin: germline.
Comment: This sequence change replaces alanine, which is neutral and non-polar, with valine, which is neutral and non-polar, at codon 622 of the LIFR protein (p.Ala622Val). This variant is present in population databases (no rsID available, gnomAD 0.003%). This missense change has been observed in individual(s) with clinical features of Stüve-Wiedemann syndrome (PMID: 16969869; Invitae). In at least one individual the data is consistent with being in trans (on the opposite chromosome) from a pathogenic variant. ClinVar contains an entry for this variant (Variation ID: 2203641). An algorithm developed to predict the effect of missense changes on protein structure and function (PolyPhen-2) suggests that this variant is likely to be tolerated. Algorithms developed to predict the effect of sequence changes on RNA splicing suggest that this variant may disrupt the consensus splice site. In summary, the currently available evidence indicates that the variant is pathogenic, but additional data are needed to prove that conclusively. Therefore, this variant has been classified as Likely Pathogenic.

Literature cited by the submitters: PubMed 16969869 (cited by Labcorp Genetics (formerly Invitae), Labcorp).